The following is an entry in ClinVar:

NM_001349253.2(SCN11A):c.3439C>T (p.Arg1147Trp)

Gene: SCN11A (sodium voltage-gated channel alpha subunit 11; minus strand). Cytogenetic location: 3p22.2.
Variant type: single nucleotide variant.
Coding change: c.3439C>T on transcript NM_001349253.2 (MANE Select); coding-DNA position 3439, C replaced by T.
Protein change: p.Arg1147Trp; replaces arginine 1147 with tryptophan.
Molecular consequence: missense variant.
Genome position (GRCh38, 1-based): chr3:38,872,249, G>A on the plus strand (C>T on the coding strand, the complement: SCN11A is on the minus strand). VCF-style: chr3-38872249-G-A. GRCh37 (hg19) VCF-style: chr3-38913740-G-A.
Other names: c.3439C>T, p.Arg1147Trp (NM_014139.3); short protein forms R1147W.
Identifiers: ClinVar variation 955766 (VCV000955766.7), dbSNP rs754609828, ClinGen allele CA2321787.

ClinVar aggregate classification (germline): Conflicting classifications of pathogenicity. Review status: criteria provided, conflicting classifications (1 of 4 stars). 2 submissions from 2 submitters: Uncertain significance (1); Likely benign (1). Last evaluated 2025-09-24.

Conditions:
Inborn genetic diseases. Identifiers: MedGen C0950123, MeSH D030342.
Familial episodic pain syndrome with predominantly lower limb involvement. Also called: Episodic pain syndrome, familial, 3. Identifiers: Orphanet 391384, Orphanet 391392, MedGen C3809899, MONDO:0014247, OMIM 615552.
Hereditary sensory and autonomic neuropathy type 7. Also called: HSAN VII; Neuropathy, hereditary sensory and autonomic, type VII. Identifiers: Orphanet 391397, MedGen C3809882, MONDO:0014244, OMIM 615548.

Allele frequency attached by ClinVar (database versions not stated): gnomAD exomes 0.00003 and 0.00009; TOPMed 0.00003; gnomAD 0.00009; ExAC 0.00010.
gnomAD v4.1: 64 of 1,610,114 alleles (0.004%); highest among the groups gnomAD compares: South Asian, 0.038%; no homozygotes.

Submissions (2):

Ambry Genetics
Classification: Likely benign for Inborn genetic diseases. Last evaluated: 2025-09-24. Review status: criteria provided, single submitter. Criteria: Ambry Variant Classification Scheme 2023. Collection method: clinical testing. Allele origin: germline.

Labcorp Genetics (formerly Invitae), Labcorp
Classification: Uncertain significance for Familial episodic pain syndrome with predominantly lower limb involvement; Hereditary sensory and autonomic neuropathy type 7. Last evaluated: 2021-05-30. Review status: criteria provided, single submitter. Criteria: Invitae Variant Classification Sherloc (09022015). Collection method: clinical testing. Allele origin: germline.
Comment: In summary, the available evidence is currently insufficient to determine the role of this variant in disease. Therefore, it has been classified as a Variant of Uncertain Significance. Algorithms developed to predict the effect of missense changes on protein structure and function (SIFT, PolyPhen-2, Align-GVGD) all suggest that this variant is likely to be disruptive, but these predictions have not been confirmed by published functional studies and their clinical significance is uncertain. This variant has not been reported in the literature in individuals with SCN11A-related conditions. This variant is present in population databases (rs754609828, ExAC 0.05%), and has an allele count higher than expected for a pathogenic variant (PMID: 28166811). This sequence change replaces arginine with tryptophan at codon 1147 of the SCN11A protein (p.Arg1147Trp). The arginine residue is highly conserved and there is a moderate physicochemical difference between arginine and tryptophan.

Literature cited by the submitters: PubMed 28166811 (cited by Labcorp Genetics (formerly Invitae), Labcorp).